The following is an entry in ClinVar:

NM_024426.6(WT1):c.675C>A (p.Val225=)

Gene: WT1 (WT1 transcription factor; minus strand). Cytogenetic location: 11p13.
Variant type: single nucleotide variant.
Coding change: c.675C>A on transcript NM_024426.6 (MANE Select); coding-DNA position 675, C replaced by A.
Protein change: p.Val225=; no amino-acid change (valine 225 retained).
Molecular consequence: synonymous variant. On other transcripts: 5 prime UTR variant (1), non-coding transcript variant (2), intron variant (2).
Genome position (GRCh38, 1-based): chr11:32,428,606, G>T on the plus strand (C>A on the coding strand, the complement: WT1 is on the minus strand). VCF-style: chr11-32428606-G-T. GRCh37 (hg19) VCF-style: chr11-32450152-G-T.
Other names: c.675C>A, p.Val225= (NM_000378.6, NM_001407044.1, NM_001407045.1 and 4 more transcripts); c.24C>A, p.Val8= (NM_001198551.2, NM_001198552.2); c.-88C>A (NM_001407051.1); c.456C>A, p.Val152= (NM_001429031.1, NM_001429032.1, NM_001429033.1 and 1 more transcripts); c.660C>A, p.Val220= (NM_024425.2); c.662-548C>A (NM_001407050.1, NM_001407047.1).
Identifiers: ClinVar variation 3074169 (VCV003074169.1), dbSNP rs1172028723, ClinGen allele CA473570456.
Genomic context (GRCh38, chr11:32,428,606, plus strand): 5'-GGGGAACTGCGCCGCATGGTGCGAGGGCGTGTGACCGTAGCTGGGCGTCCCGTCGAAGGT[G>T]ACCGTGCTGTAACCTGCGGGAGCGGCGGAGAGAAGCACAGTGTCAGCGGTGCTCTCGCAA-3'
Protein context (NP_077744.4, residues 215-235): PAIRNQGYST[Val225=]TFDGTPSYGH

ClinVar aggregate classification (germline): Likely benign (1 of 4 stars; one submission).

Conditions:
Wilms tumor 1 (WT1). Also called: Wilms tumor, somatic. Identifiers: Orphanet 654, MedGen CN033288, MONDO:0008679, OMIM 194070.

Submission:

All of Us Research Program, National Institutes of Health
Classification: Likely benign for Wilms tumor 1. Last evaluated: 2023-10-27. Review status: criteria provided, single submitter. Criteria: ACMG Guidelines, 2015. Collection method: clinical testing. Allele origin: germline. Inheritance: Autosomal dominant inheritance. Observed: 1 variant allele, 1 heterozygote.
Comment: This study involves interpretation of variants in research participants for the purpose of population health screening. Participant phenotype was not available at the time of variant classification. Additional details can be found in publication PMID: 35346344, PMCID: PMC8962531